The following is an entry in ClinVar:

NM_006343.3(MERTK):c.2491G>A (p.Glu831Lys)

Gene: MERTK (MER proto-oncogene, tyrosine kinase; plus strand). Cytogenetic location: 2q13.
Variant type: single nucleotide variant.
Coding change: c.2491G>A on transcript NM_006343.3 (MANE Select); coding-DNA position 2491, G replaced by A.
Protein change: p.Glu831Lys; replaces glutamic acid 831 with lysine.
Molecular consequence: missense variant.
Genome position (GRCh38, 1-based): chr2:112,028,355, G>A. VCF-style: chr2-112028355-G-A. GRCh37 (hg19) VCF-style: chr2-112785932-G-A.
Other names: short protein forms E831K.
Identifiers: ClinVar variation 4759953 (VCV004759953.1).

ClinVar aggregate classification (germline): Uncertain significance (1 of 4 stars; one submission).

gnomAD v4.1: 9 of 1,614,046 alleles (0.00056%); highest among the groups gnomAD compares: South Asian, 0.0099%; no homozygotes.

Submission:

Labcorp Genetics (formerly Invitae), Labcorp
Classification: Uncertain significance. Last evaluated: 2025-08-19. Review status: criteria provided, single submitter. Criteria: Invitae Variant Classification Sherloc (09022015). Collection method: clinical testing. Allele origin: germline.
Comment: This sequence change replaces glutamic acid, which is acidic and polar, with lysine, which is basic and polar, at codon 831 of the MERTK protein (p.Glu831Lys). This variant is present in population databases (rs766094337, gnomAD 0.02%). This variant has not been reported in the literature in individuals affected with MERTK-related conditions. Invitae Evidence Modeling of protein sequence and biophysical properties (such as structural, functional, and spatial information, amino acid conservation, physicochemical variation, residue mobility, and thermodynamic stability) indicates that this missense variant is not expected to disrupt MERTK protein function with a negative predictive value of 80%. In summary, the available evidence is currently insufficient to determine the role of this variant in disease. Therefore, it has been classified as a Variant of Uncertain Significance.